The following is an entry in ClinVar:

NM_001395002.1(MAP4K4):c.40G>T (p.Asp14Tyr)

Gene: MAP4K4 (mitogen-activated protein kinase kinase kinase kinase 4; plus strand). Cytogenetic location: 2q11.2.
Variant type: single nucleotide variant.
Coding change: c.40G>T on transcript NM_001395002.1 (MANE Select); coding-DNA position 40, G replaced by T.
Protein change: p.Asp14Tyr; replaces aspartic acid 14 with tyrosine.
Molecular consequence: missense variant. On other transcripts: non-coding transcript variant (4).
Genome position (GRCh38, 1-based): chr2:101,698,120, G>T. VCF-style: chr2-101698120-G-T. GRCh37 (hg19) VCF-style: chr2-102314582-G-T.
Other names: c.40G>T, p.Asp14Tyr (NM_001242559.2, NM_001242560.2, NM_001384476.1 and 28 more transcripts); short protein forms D14Y.
Identifiers: ClinVar variation 3392963 (VCV003392963.1).
Genomic context (GRCh38, chr2:101,698,120, plus strand): 5'-TTTTGGTGGCAAAAAGGGAAAATGGCGAACGACTCCCCTGCAAAAAGTCTGGTGGACATC[G>T]ACCTCTCCTCCCTGCGGGTGAGTGGGCCCGCGAGCGGGCGCGCGGGGAGCGGGCAGCCGG-3'
Protein context (NP_001381931.1, residues 4-24): DSPAKSLVDI[Asp14Tyr]LSSLRDPAGI

ClinVar aggregate classification (germline): Uncertain significance (1 of 4 stars; one submission).

Submission:

GeneDx
Classification: Uncertain significance. Last evaluated: 2024-06-28. Review status: criteria provided, single submitter. Criteria: GeneDx Variant Classification Process June 2021. Collection method: clinical testing. Allele origin: germline. Affected: yes.
Comment: Not observed at significant frequency in large population cohorts (gnomAD); In silico analysis supports that this missense variant has a deleterious effect on protein structure/function; Has not been previously published as pathogenic or benign to our knowledge